The following is an entry in ClinVar:

ClinVar aggregate classification (germline): Likely pathogenic (0 of 4 stars; one submission).

Conditions:
Autosomal recessive limb-girdle muscular dystrophy type 2C (LGMDR5). Also called: MUSCULAR DYSTROPHY, LIMB-GIRDLE, AUTOSOMAL RECESSIVE 5; MUSCULAR DYSTROPHY, DUCHENNE-LIKE. Identifiers: Orphanet 353, MedGen C0410173, MONDO:0009677, OMIM 253700. Disease mechanism: Affects gamma-sarcoglycan and also disrupts the integrity of the entire sarcoglycan complex..

Submission:

Solve-RD Consortium
Classification: Likely pathogenic for Autosomal recessive limb-girdle muscular dystrophy type 2C. Last evaluated: 2024-06-01. Review status: no assertion criteria provided. Collection method: provider interpretation. Allele origin: germline. Affected: yes.
Comment: This CNV was confirmed by the submitting clinician to impact a gene that corresponds with the phenotype of the affected individual, and thus deemed to be causative for their condition.

Literature cited by the submitters: PubMed 39825153.

GRCh37/hg19 13q12.12(chr13:23853446-23853668)x0

Gene: SGCG (sarcoglycan gamma; plus strand). Cytogenetic location: 13q12.12.
Variant type: copy number loss.
Change: copy number 0 (both copies lost) of chr13:23,853,446-23,853,668 (0.2 kb, GRCh37 coordinates, 1-based), cytogenetic band 13q12.12.
Identifiers: ClinVar variation 3338469 (VCV003338469.1).